The following is an entry in ClinVar:

ClinVar aggregate classification (germline): Uncertain significance (1 of 4 stars; one submission).

Conditions:
Infantile neuroaxonal dystrophy (NBIA2A). Also called: NEURODEGENERATION WITH BRAIN IRON ACCUMULATION 2A; SEITELBERGER DISEASE; Infantile neuroaxonal dystrophy 1. Identifiers: Orphanet 35069, MedGen C0270724, MONDO:0024457, OMIM 256600.

gnomAD v4.1: 2 of 1,613,334 alleles (0.00012%); highest among the groups gnomAD compares: Middle Eastern, 0.017%; no homozygotes.

Submission:

Labcorp Genetics (formerly Invitae), Labcorp
Classification: Uncertain significance for Infantile neuroaxonal dystrophy. Last evaluated: 2022-04-22. Review status: criteria provided, single submitter. Criteria: Invitae Variant Classification Sherloc (09022015). Collection method: clinical testing. Allele origin: germline.
Comment: This sequence change replaces arginine, which is basic and polar, with glycine, which is neutral and non-polar, at codon 245 of the PLA2G6 protein (p.Arg245Gly). This variant is not present in population databases (gnomAD no frequency). This variant has not been reported in the literature in individuals affected with PLA2G6-related conditions. Advanced modeling of protein sequence and biophysical properties (such as structural, functional, and spatial information, amino acid conservation, physicochemical variation, residue mobility, and thermodynamic stability) performed at Invitae indicates that this missense variant is not expected to disrupt PLA2G6 protein function. In summary, the available evidence is currently insufficient to determine the role of this variant in disease. Therefore, it has been classified as a Variant of Uncertain Significance.

NM_003560.4(PLA2G6):c.733C>G (p.Arg245Gly)

Gene: PLA2G6 (phospholipase A2 group VI; minus strand). Cytogenetic location: 22q13.1.
Variant type: single nucleotide variant.
Coding change: c.733C>G on transcript NM_003560.4 (MANE Select); coding-DNA position 733, C replaced by G.
Protein change: p.Arg245Gly; replaces arginine 245 with glycine.
Molecular consequence: missense variant. On other transcripts: intron variant (1).
Genome position (GRCh38, 1-based): chr22:38,140,046, G>C on the plus strand (C>G on the coding strand, the complement: PLA2G6 is on the minus strand). VCF-style: chr22-38140046-G-C. GRCh37 (hg19) VCF-style: chr22-38536053-G-C.
Other names: c.733C>G, p.Arg245Gly (NM_001004426.3, NM_001199562.3, NM_001349864.2 and 2 more transcripts); c.199C>G, p.Arg67Gly (NM_001349867.2, NM_001349869.2); c.119+3059C>G (NM_001349868.2); short protein forms R67G, R245G.
Identifiers: ClinVar variation 1974158 (VCV001974158.2), dbSNP rs141685950, ClinGen allele CA411531363.
Genomic context (GRCh38, chr22:38,140,046, plus strand): 5'-TCTGAGAGAACTTCATGGCCGAGTGGATGGGGTAGCCGTTGGGGCCCATGATGTTGCACC[G>C]AGCATTGCACAGCAGCAGCACGCGGACCATCTCCTGCTTCCCCAGCTGGCAGGCCAGGTG-3'
Protein context (NP_003551.2, residues 235-255): MVRVLLLCNA[Arg245Gly]CNIMGPNGYP